The following is an entry in ClinVar:

ClinVar aggregate classification (germline): Uncertain significance (1 of 4 stars; one submission).

gnomAD v4.1: 5 of 1,611,666 alleles (0.00031%); highest among the groups gnomAD compares: Non-Finnish European, 0.00042%; no homozygotes.

Submission:

Labcorp Genetics (formerly Invitae), Labcorp
Classification: Uncertain significance. Last evaluated: 2025-10-21. Review status: criteria provided, single submitter. Criteria: Invitae Variant Classification Sherloc (09022015). Collection method: clinical testing. Allele origin: germline.
Comment: This sequence change falls in intron 13 of the ITGAM gene. It does not directly change the encoded amino acid sequence of the ITGAM protein. It affects a nucleotide within the consensus splice site. This variant is present in population databases (rs781213961, gnomAD 0.003%). This variant has not been reported in the literature in individuals affected with ITGAM-related conditions. Variants that disrupt the consensus splice site are a relatively common cause of aberrant splicing (PMID: 17576681, 9536098). Algorithms developed to predict the effect of sequence changes on RNA splicing suggest that this variant may disrupt the consensus splice site. In summary, the available evidence is currently insufficient to determine the role of this variant in disease. Therefore, it has been classified as a Variant of Uncertain Significance.

Literature cited by the submitters: PubMed 17576681; PubMed 9536098.

NM_000632.4(ITGAM):c.1497+4A>G

Gene: ITGAM (integrin subunit alpha M; plus strand). Cytogenetic location: 16p11.2.
Variant type: single nucleotide variant.
Coding change: c.1497+4A>G on transcript NM_000632.4 (MANE Select); 4 bases into the intron after coding-DNA position 1497, A replaced by G.
Molecular consequence: intron variant.
Genome position (GRCh38, 1-based): chr16:31,297,658, A>G. VCF-style: chr16-31297658-A-G. GRCh37 (hg19) VCF-style: chr16-31308979-A-G.
Other names: c.1497+4A>G (NM_001145808.2).
Identifiers: ClinVar variation 4693538 (VCV004693538.1).
Genomic context (GRCh38, chr16:31,297,658, plus strand): 5'-CATTACTACGAGCAGACCCGAGGGGGCCAGGTGTCCGTGTGCCCCTTGCCCAGGGGGGTG[A>G]GTGGCAATGGGACCTGGGCTGGGTGGGGCCCGGTGTGGGTGGAGGGGTCGCCTGGGTTGG-3'